The following is an entry in ClinVar:

NM_001287491.2(TET3):c.5254G>C (p.Ala1752Pro)

Gene: TET3 (tet methylcytosine dioxygenase 3; plus strand). Cytogenetic location: 2p13.1.
Variant type: single nucleotide variant.
Coding change: c.5254G>C on transcript NM_001287491.2 (MANE Select); coding-DNA position 5254, G replaced by C.
Protein change: p.Ala1752Pro; replaces alanine 1752 with proline.
Molecular consequence: missense variant.
Genome position (GRCh38, 1-based): chr2:74,102,042, G>C. VCF-style: chr2-74102042-G-C. GRCh37 (hg19) VCF-style: chr2-74329169-G-C.
Other names: c.4975G>C, p.Ala1659Pro (NM_001366022.1); short protein forms A1659P, A1752P.
Identifiers: ClinVar variation 3371543 (VCV003371543.1).
Genomic context (GRCh38, chr2:74,102,042, plus strand): 5'-CTGGGCCAGCAGGAGGCCAAGCTCTACGGGAAGAAGCGCAAGTGGGGGGGCACTGTGGTT[G>C]CTGAGCCCCAGCAGAAAGAGAAGAAGGGGGTCGTCCCCACCCGGCAGGCACTGGCTGTGC-3'
Protein context (NP_001274420.1, residues 1742-1762): KKRKWGGTVV[Ala1752Pro]EPQQKEKKGV

ClinVar aggregate classification (germline): Uncertain significance (1 of 4 stars; one submission).

Submission:

GeneDx
Classification: Uncertain significance. Last evaluated: 2024-04-02. Review status: criteria provided, single submitter. Criteria: GeneDx Variant Classification Process June 2021. Collection method: clinical testing. Allele origin: germline. Affected: yes.
Comment: Not observed at significant frequency in large population cohorts (gnomAD); In silico analysis supports that this missense variant does not alter protein structure/function; Has not been previously published as pathogenic or benign to our knowledge